The following is an entry in ClinVar:

ClinVar aggregate classification (germline): Uncertain significance (1 of 4 stars; one submission).

Conditions:
Hereditary cancer-predisposing syndrome. Also called: Tumor predisposition; Hereditary Cancer Syndrome; Hereditary neoplastic syndrome; Neoplastic Syndromes, Hereditary. Identifiers: Orphanet 140162, MedGen C0027672, MeSH D009386, MONDO:0015356.

gnomAD v4.1: 2 of 1,614,144 alleles (0.00012%); highest among the groups gnomAD compares: Non-Finnish European, 0.00017%; no homozygotes.

Submission:

Ambry Genetics
Classification: Uncertain significance for Hereditary cancer-predisposing syndrome. Last evaluated: 2024-04-16. Review status: criteria provided, single submitter. Criteria: Ambry Variant Classification Scheme 2023. Collection method: clinical testing. Allele origin: germline.
Comment: The p.D765G variant (also known as c.2294A>G), located in coding exon 15 of the APC gene, results from an A to G substitution at nucleotide position 2294. The aspartic acid at codon 765 is replaced by glycine, an amino acid with similar properties. This amino acid position is highly conserved in available vertebrate species. In addition, in silico predictors for this gene do not accurately predict pathogenicity. Based on the available evidence, the clinical significance of this variant remains unclear.

NM_000038.6(APC):c.2294A>G (p.Asp765Gly)

Gene: APC (APC regulator of Wnt signaling pathway; plus strand). Cytogenetic location: 5q22.2.
Variant type: single nucleotide variant.
Coding change: c.2294A>G on transcript NM_000038.6 (MANE Select); coding-DNA position 2294, A replaced by G.
Protein change: p.Asp765Gly; replaces aspartic acid 765 with glycine.
Molecular consequence: missense variant. On other transcripts: non-coding transcript variant (2).
Genome position (GRCh38, 1-based): chr5:112,837,888, A>G. VCF-style: chr5-112837888-A-G. GRCh37 (hg19) VCF-style: chr5-112173585-A-G.
Other names: c.2294A>G, p.Asp765Gly (NM_001127510.3, NM_001354895.2, NM_001407450.1); c.2240A>G, p.Asp747Gly (NM_001127511.3); c.2348A>G, p.Asp783Gly (NM_001354896.2, NM_001407447.1, NM_001407448.1 and 1 more transcripts); c.2324A>G, p.Asp775Gly (NM_001354897.2); c.2219A>G, p.Asp740Gly (NM_001354898.2); c.2210A>G, p.Asp737Gly (NM_001354899.2); c.2171A>G, p.Asp724Gly (NM_001354900.2); c.2117A>G, p.Asp706Gly (NM_001354901.2, NM_001407453.1); and 11 more; short protein forms D793G, D482G, D636G, D682G, D706G, D737G, D740G, D758G.
Identifiers: ClinVar variation 3304412 (VCV003304412.1).